The following is an entry in ClinVar:

NM_020433.5(JPH2):c.1289G>A (p.Gly430Asp)

Gene: JPH2 (junctophilin 2; minus strand). Cytogenetic location: 20q13.12.
Variant type: single nucleotide variant.
Coding change: c.1289G>A on transcript NM_020433.5 (MANE Select); coding-DNA position 1289, G replaced by A.
Protein change: p.Gly430Asp; replaces glycine 430 with aspartic acid.
Molecular consequence: missense variant.
Genome position (GRCh38, 1-based): chr20:44,116,386, C>T on the plus strand (G>A on the coding strand, the complement: JPH2 is on the minus strand). VCF-style: chr20-44116386-C-T. GRCh37 (hg19) VCF-style: chr20-42745026-C-T.
Other names: short protein forms G430D.
Identifiers: ClinVar variation 3653545 (VCV003653545.2).

ClinVar aggregate classification (germline): Uncertain significance (1 of 4 stars; one submission).

Conditions:
Hypertrophic cardiomyopathy. Also called: HYPERTROPHIC MYOCARDIOPATHY. Identifiers: Orphanet 217569, MedGen C0007194, MeSH D002312, MONDO:0005045, HP:0001639.

Submission:

Labcorp Genetics (formerly Invitae), Labcorp
Classification: Uncertain significance for Hypertrophic cardiomyopathy. Last evaluated: 2024-07-13. Review status: criteria provided, single submitter. Criteria: Invitae Variant Classification Sherloc (09022015). Collection method: clinical testing. Allele origin: germline.
Comment: This sequence change replaces glycine, which is neutral and non-polar, with aspartic acid, which is acidic and polar, at codon 430 of the JPH2 protein (p.Gly430Asp). This variant is present in population databases (no rsID available, gnomAD 0.007%). This variant has not been reported in the literature in individuals affected with JPH2-related conditions. An algorithm developed to predict the effect of missense changes on protein structure and function (PolyPhen-2) suggests that this variant is likely to be disruptive. In summary, the available evidence is currently insufficient to determine the role of this variant in disease. Therefore, it has been classified as a Variant of Uncertain Significance.